The following is an entry in ClinVar:

NM_020937.4(FANCM):c.3725A>G (p.Asp1242Gly)

Gene: FANCM (FA complementation group M; plus strand). Cytogenetic location: 14q21.2.
Variant type: single nucleotide variant.
Coding change: c.3725A>G on transcript NM_020937.4 (MANE Select); coding-DNA position 3725, A replaced by G.
Protein change: p.Asp1242Gly; replaces aspartic acid 1242 with glycine.
Molecular consequence: missense variant.
Genome position (GRCh38, 1-based): chr14:45,176,479, A>G. VCF-style: chr14-45176479-A-G. GRCh37 (hg19) VCF-style: chr14-45645682-A-G.
Other names: c.3725A>G (NM_020937.2); c.3647A>G, p.Asp1216Gly (NM_001308133.2); short protein forms D1242G, D1216G.
Identifiers: ClinVar variation 1046848 (VCV001046848.6), dbSNP rs994282538, ClinGen allele CA259628470.

ClinVar aggregate classification (germline): Uncertain significance. Review status: criteria provided, multiple submitters, no conflicts (2 of 4 stars). 2 submissions from 2 submitters: Uncertain significance (2). Last evaluated 2024-12-09.

Conditions:
Fanconi anemia (FA). Also called: Fanconi's anemia. Identifiers: Orphanet 84, MedGen C0015625, MeSH D005199, MONDO:0019391.
Inborn genetic diseases. Identifiers: MedGen C0950123, MeSH D030342.

Allele frequency attached by ClinVar (database versions not stated): TOPMed below 0.00001.

Submissions (2):

Ambry Genetics
Classification: Uncertain significance for Inborn genetic diseases. Last evaluated: 2024-12-09. Review status: criteria provided, single submitter. Criteria: Ambry Variant Classification Scheme 2023. Collection method: clinical testing. Allele origin: germline.
Comment: The p.D1242G variant (also known as c.3725A>G), located in coding exon 14 of the FANCM gene, results from an A to G substitution at nucleotide position 3725. The aspartic acid at codon 1242 is replaced by glycine, an amino acid with similar properties. This amino acid position is conserved. In addition, this alteration is predicted to be tolerated by in silico analysis. Based on the available evidence, the clinical significance of this variant remains unclear.

Labcorp Genetics (formerly Invitae), Labcorp
Classification: Uncertain significance for Fanconi anemia. Last evaluated: 2023-09-17. Review status: criteria provided, single submitter. Criteria: Invitae Variant Classification Sherloc (09022015). Collection method: clinical testing. Allele origin: germline.
Comment: ClinVar contains an entry for this variant (Variation ID: 1046848). In summary, the available evidence is currently insufficient to determine the role of this variant in disease. Therefore, it has been classified as a Variant of Uncertain Significance. An algorithm developed to predict the effect of missense changes on protein structure and function (PolyPhen-2) suggests that this variant is likely to be disruptive. This variant has not been reported in the literature in individuals affected with FANCM-related conditions. This variant is not present in population databases (gnomAD no frequency). This sequence change replaces aspartic acid, which is acidic and polar, with glycine, which is neutral and non-polar, at codon 1242 of the FANCM protein (p.Asp1242Gly).